The following is an entry in ClinVar:

ClinVar aggregate classification (germline): Uncertain significance (1 of 4 stars; one submission).

Submission:

Labcorp Genetics (formerly Invitae), Labcorp
Classification: Uncertain significance. Last evaluated: 2022-04-13. Review status: criteria provided, single submitter. Criteria: Invitae Variant Classification Sherloc (09022015). Collection method: clinical testing. Allele origin: germline.
Comment: In summary, the available evidence is currently insufficient to determine the role of this variant in disease. Therefore, it has been classified as a Variant of Uncertain Significance. Algorithms developed to predict the effect of missense changes on protein structure and function output the following: SIFT: "Tolerated"; PolyPhen-2: "Benign"; Align-GVGD: "Class C0". The proline amino acid residue is found in multiple mammalian species, which suggests that this missense change does not adversely affect protein function. This variant has not been reported in the literature in individuals affected with NDUFAF6-related conditions. This variant is not present in population databases (gnomAD no frequency). This sequence change replaces arginine, which is basic and polar, with proline, which is neutral and non-polar, at codon 14 of the NDUFAF6 protein (p.Arg14Pro).

NM_152416.4(NDUFAF6):c.41G>C (p.Arg14Pro)

Genes: NDUFAF6 (NADH:ubiquinone oxidoreductase complex assembly factor 6; plus strand), LOC113788297 (Sharpr-MPRA regulatory region 2014; plus strand). Cytogenetic location: 8q22.1.
Variant type: single nucleotide variant.
Coding change: c.41G>C on transcript NM_152416.4 (MANE Select); coding-DNA position 41, G replaced by C.
Protein change: p.Arg14Pro; replaces arginine 14 with proline.
Molecular consequence: missense variant. On other transcripts: 5 prime UTR variant (12), non-coding transcript variant (6), intron variant (7).
Genome position (GRCh38, 1-based): chr8:95,025,049, G>C. VCF-style: chr8-95025049-G-C. GRCh37 (hg19) VCF-style: chr8-96037277-G-C.
Other names: c.-240G>C (NM_001330582.2, NM_001354521.2); c.-193G>C (NM_001354517.2); c.-412G>C (NM_001354518.2); c.-408G>C (NM_001354519.2); c.-757G>C (NM_001354527.2); c.-728G>C (NM_001354528.2); c.-540G>C (NM_001354529.2); c.-642G>C (NM_001354530.2); and 8 more; short protein forms R14P.
Identifiers: ClinVar variation 1898235 (VCV001898235.5), dbSNP rs745925139, ClinGen allele CA181467068.